The following is an entry in ClinVar:

ClinVar aggregate classification (germline): Benign (1 of 4 stars; one submission).

Submission:

GeneDx
Classification: Benign. Last evaluated: 2018-06-14. Review status: criteria provided, single submitter. Criteria: GeneDx Variant Classification (06012015). Collection method: clinical testing. Allele origin: germline. Affected: yes.
Comment: This variant is considered likely benign or benign based on one or more of the following criteria: it is a conservative change, it occurs at a poorly conserved position in the protein, it is predicted to be benign by multiple in silico algorithms, and/or has population frequency not consistent with disease.

NM_014244.5(ADAMTS2):c.891+33C>G

Gene: ADAMTS2 (ADAM metallopeptidase with thrombospondin type 1 motif 2; minus strand). Cytogenetic location: 5q35.3.
Variant type: single nucleotide variant.
Coding change: c.891+33C>G on transcript NM_014244.5 (MANE Select); 33 bases into the intron after coding-DNA position 891, C replaced by G.
Molecular consequence: intron variant.
Genome position (GRCh38, 1-based): chr5:179,207,480, G>C on the plus strand (C>G on the coding strand, the complement: ADAMTS2 is on the minus strand). VCF-style: chr5-179207480-G-C. GRCh37 (hg19) VCF-style: chr5-178634481-G-C.
Other names: c.891+33C>G (NM_021599.4).
Identifiers: ClinVar variation 680028 (VCV000680028.1), dbSNP rs375799467, ClinGen allele CA3596124.
Genomic context (GRCh38, chr5:179,207,480, plus strand): 5'-TCAGGGGACCTGGCCCAGCTGGGCCTCTCTGGCCTGCCCAGCCCCTGGTTGACCCTCCCC[G>C]CCCCACCCTGCCCCCTCAGCCACCCCACTCACAATGTTCATGAGTGTCAGCAGGTACTTC-3'